The following is an entry in ClinVar:

NM_024675.4(PALB2):c.5A>G (p.Asp2Gly)

Gene: PALB2 (partner and localizer of BRCA2; minus strand). Cytogenetic location: 16p12.2.
Variant type: single nucleotide variant.
Coding change: c.5A>G on transcript NM_024675.4 (MANE Select); coding-DNA position 5, A replaced by G.
Protein change: p.Asp2Gly; replaces aspartic acid 2 with glycine.
Molecular consequence: missense variant. On other transcripts: 5 prime UTR variant (10).
Genome position (GRCh38, 1-based): chr16:23,641,153, T>C on the plus strand (A>G on the coding strand, the complement: PALB2 is on the minus strand). VCF-style: chr16-23641153-T-C. GRCh37 (hg19) VCF-style: chr16-23652474-T-C.
Other names: c.5A>G, p.Asp2Gly (NM_001407296.1, NM_001407297.1, NM_001407298.1 and 5 more transcripts); c.-1739A>G (NM_001407304.1, NM_001407310.1); c.-1015A>G (NM_001407305.1, NM_001407307.1, NM_001407309.1 and 1 more transcripts); c.-864A>G (NM_001407306.1, NM_001407308.1); c.-148A>G (NM_001407312.1, NM_001407313.1); short protein forms D2G.
Identifiers: ClinVar variation 3730305 (VCV003730305.4).

ClinVar aggregate classification (germline): Uncertain significance. Review status: criteria provided, multiple submitters, no conflicts (2 of 4 stars). 3 submissions from 3 submitters: Uncertain significance (3). Last evaluated 2026-02-25.

Conditions:
Hereditary cancer-predisposing syndrome. Also called: Hereditary Cancer Syndrome; Neoplastic Syndromes, Hereditary; Tumor predisposition; Hereditary neoplastic syndrome. Identifiers: Orphanet 140162, MedGen C0027672, MeSH D009386, MONDO:0015356.
Fanconi anemia complementation group N. Also called: PALB2-Related Fanconi Anemia. Identifiers: Orphanet 84, MedGen C1835817, MONDO:0012565, OMIM 610832. Disease mechanism: loss of function.
Pancreatic cancer, susceptibility to, 3. Identifiers: Orphanet 1333, MedGen C3150547, MONDO:0013236, OMIM 613348.
Breast-ovarian cancer, familial, susceptibility to, 5 (BROVCA5). Identifiers: MedGen C5830615, MONDO:0957530, OMIM 620442.
Familial cancer of breast. Also called: BREAST CANCER, FAMILIAL; hereditary breast carcinoma; Hereditary breast cancer. Identifiers: Orphanet 227535, MedGen C0346153, MONDO:0016419, OMIM 114480. Disease mechanism: loss of function.

gnomAD v4.1: 7 of 1,612,868 alleles (0.00043%); highest among the groups gnomAD compares: South Asian, 0.0077%; no homozygotes.

Submissions (3):

Ambry Genetics
Classification: Uncertain significance for Hereditary cancer-predisposing syndrome. Last evaluated: 2026-02-25. Review status: criteria provided, single submitter. Criteria: Ambry Variant Classification Scheme 2023. Collection method: clinical testing. Allele origin: germline.
Comment: The p.D2G variant (also known as c.5A>G), located in coding exon 1 of the PALB2 gene, results from an A to G substitution at nucleotide position 5. The aspartic acid at codon 2 is replaced by glycine, an amino acid with similar properties. This amino acid position is conserved. In addition, this alteration is predicted to be tolerated by in silico analysis. Based on the available evidence, the clinical significance of this variant remains unclear.

Department of Pathology and Laboratory Medicine, Sinai Health System
Classification: Uncertain significance for Fanconi anemia complementation group N; Pancreatic cancer, susceptibility to, 3; Breast-ovarian cancer, familial, susceptibility to, 5. Last evaluated: 2024-12-10. Review status: criteria provided, single submitter. Criteria: ACMG Guidelines, 2015. Collection method: clinical testing. Allele origin: germline.

Labcorp Genetics (formerly Invitae), Labcorp
Classification: Uncertain significance for Familial cancer of breast. Last evaluated: 2024-04-24. Review status: criteria provided, single submitter. Criteria: Invitae Variant Classification Sherloc (09022015). Collection method: clinical testing. Allele origin: germline.
Comment: This sequence change replaces aspartic acid, which is acidic and polar, with glycine, which is neutral and non-polar, at codon 2 of the PALB2 protein (p.Asp2Gly). This variant is not present in population databases (gnomAD no frequency). This variant has not been reported in the literature in individuals affected with PALB2-related conditions. An algorithm developed to predict the effect of missense changes on protein structure and function (PolyPhen-2) suggests that this variant is likely to be tolerated. In summary, the available evidence is currently insufficient to determine the role of this variant in disease. Therefore, it has been classified as a Variant of Uncertain Significance.